The following is an entry in ClinVar:

NM_006031.6(PCNT):c.2352C>T (p.Thr784=)

Gene: PCNT (pericentrin; plus strand). Cytogenetic location: 21q22.3.
Variant type: single nucleotide variant.
Coding change: c.2352C>T on transcript NM_006031.6 (MANE Select); coding-DNA position 2352, C replaced by T.
Protein change: p.Thr784=; no amino-acid change (threonine 784 retained).
Molecular consequence: synonymous variant.
Genome position (GRCh38, 1-based): chr21:46,363,677, C>T. VCF-style: chr21-46363677-C-T. GRCh37 (hg19) VCF-style: chr21-47783592-C-T.
Other names: c.2352C>T (NM_006031.5); c.1998C>T, p.Thr666= (NM_001315529.2).
Identifiers: ClinVar variation 2847323 (VCV002847323.4), dbSNP rs778980149, ClinGen allele CA10078954.

ClinVar aggregate classification (germline): Likely benign. Review status: criteria provided, single submitter (1 of 4 stars). 2 submissions from 2 submitters: Likely benign (1). 1 of the submissions does not count toward it. Last evaluated 2023-09-29.

Conditions:
PCNT-related disorder. Also called: PCNT-related condition.

Allele frequency attached by ClinVar (database versions not stated): ExAC 0.00001; TOPMed 0.00002.

Submissions (2):

Labcorp Genetics (formerly Invitae), Labcorp
Classification: Likely benign. Last evaluated: 2023-09-29. Review status: criteria provided, single submitter. Criteria: Invitae Variant Classification Sherloc (09022015). Collection method: clinical testing. Allele origin: germline.

PreventionGenetics, part of Exact Sciences
Classification: Likely benign for PCNT-related condition. Last evaluated: 2022-07-21. Review status: no assertion criteria provided. Collection method: clinical testing. Allele origin: germline. Not counted in ClinVar's aggregate classification.
Comment: This variant is classified as likely benign based on ACMG/AMP sequence variant interpretation guidelines (Richards et al. 2015 PMID: 25741868, with internal and published modifications).